The following is an entry in ClinVar:

ClinVar aggregate classification (germline): Uncertain significance (1 of 4 stars; one submission).

Conditions:
Inborn genetic diseases. Identifiers: MedGen C0950123, MeSH D030342.

Submission:

Ambry Genetics
Classification: Uncertain significance for Inborn genetic diseases. Last evaluated: 2023-03-17. Review status: criteria provided, single submitter. Criteria: Ambry Variant Classification Scheme 2023. Collection method: clinical testing. Allele origin: germline.
Comment: The p.L1848P variant (also known as c.5543T>C), located in coding exon 38 of the LRRK2 gene, results from a T to C substitution at nucleotide position 5543. The leucine at codon 1848 is replaced by proline, an amino acid with similar properties. This amino acid position is conserved. In addition, this alteration is predicted to be tolerated by in silico analysis. Since supporting evidence is limited at this time, the clinical significance of this alteration remains unclear.

NM_198578.4(LRRK2):c.5543T>C (p.Leu1848Pro)

Gene: LRRK2 (leucine rich repeat kinase 2; plus strand). Cytogenetic location: 12q12.
Variant type: single nucleotide variant.
Coding change: c.5543T>C on transcript NM_198578.4 (MANE Select); coding-DNA position 5543, T replaced by C.
Protein change: p.Leu1848Pro; replaces leucine 1848 with proline.
Molecular consequence: missense variant.
Genome position (GRCh38, 1-based): chr12:40,323,193, T>C. VCF-style: chr12-40323193-T-C. GRCh37 (hg19) VCF-style: chr12-40716995-T-C.
Other names: short protein forms L1848P.
Identifiers: ClinVar variation 2567320 (VCV002567320.2), dbSNP rs2499888866, ClinGen allele CA384421019.